The following is an entry in ClinVar:

ClinVar aggregate classification (germline): Likely pathogenic (1 of 4 stars; one submission).

Submission:

GeneDx
Classification: Likely pathogenic. Last evaluated: 2019-12-04. Review status: criteria provided, single submitter. Criteria: GeneDx Variant Classification Process June 2021. Collection method: clinical testing. Allele origin: germline. Affected: yes.
Comment: Not observed in large population cohorts (Lek 2016); Located at the last nucleotide of the exon and predicted to result in abnormal splicing leading to an in-frame deletion of exon 34, which includes the GTPase activating protein domain (Thomas 2012); Has not been previously published as pathogenic or benign to our knowledge; This variant is associated with the following publications: (PMID: 29952103)

NM_001042492.3(NF1):c.4724G>C (p.Arg1575Thr)

Gene: NF1 (neurofibromin 1; plus strand). Cytogenetic location: 17q11.2.
Variant type: single nucleotide variant.
Coding change: c.4724G>C on transcript NM_001042492.3 (MANE Select); coding-DNA position 4724, G replaced by C.
Protein change: p.Arg1575Thr; replaces arginine 1575 with threonine.
Molecular consequence: missense variant.
Genome position (GRCh38, 1-based): chr17:31,261,857, G>C. VCF-style: chr17-31261857-G-C. GRCh37 (hg19) VCF-style: chr17-29588875-G-C.
Other names: c.4661G>C, p.Arg1554Thr (NM_000267.4); short protein forms R1554T, R1575T.
Identifiers: ClinVar variation 1191403 (VCV001191403.2), dbSNP rs2151466553, ClinGen allele CA399000687.
Genomic context (GRCh38, chr17:31,261,857, plus strand): 5'-CAGATACACACTGGTCCAGCCTTAACCTTACCAGTTCAAAGTTTGAGGAATTTATGACTA[G>C]GTAAAGTACAACCTTGAAATAGTTGATTGCTTTCTTTTTGGTTGAGAAGGAGAGTTTGCC-3'
Protein context (NP_001035957.1, residues 1565-1585): TSSKFEEFMT[Arg1575Thr]HQVHEKEEFK